The following is an entry in ClinVar:

NM_020778.5(ALPK3):c.3951C>T (p.Gly1317=)

Gene: ALPK3 (alpha kinase 3; plus strand). Cytogenetic location: 15q25.3.
Variant type: single nucleotide variant.
Coding change: c.3951C>T on transcript NM_020778.5 (MANE Select); coding-DNA position 3951, C replaced by T.
Protein change: p.Gly1317=; no amino-acid change (glycine 1317 retained).
Molecular consequence: synonymous variant.
Genome position (GRCh38, 1-based): chr15:84,859,376, C>T. VCF-style: chr15-84859376-C-T. GRCh37 (hg19) VCF-style: chr15-85402607-C-T.
Identifiers: ClinVar variation 1741461 (VCV001741461.5), dbSNP rs934215303, ClinGen allele CA273626553.

ClinVar aggregate classification (germline): Conflicting classifications of pathogenicity. Review status: criteria provided, conflicting classifications (1 of 4 stars). 2 submissions from 2 submitters: Uncertain significance (1); Likely benign (1). Last evaluated 2025-03-10.

Conditions:
Cardiovascular phenotype. Identifiers: MedGen CN230736.

Allele frequency attached by ClinVar (database versions not stated): TOPMed 0.00002; gnomAD 0.00003; gnomAD exomes below 0.00001.

Submissions (2):

Labcorp Genetics (formerly Invitae), Labcorp
Classification: Likely benign. Last evaluated: 2025-03-10. Review status: criteria provided, single submitter. Criteria: Invitae Variant Classification Sherloc (09022015). Collection method: clinical testing. Allele origin: germline.

Ambry Genetics
Classification: Uncertain significance for Cardiovascular phenotype. Last evaluated: 2023-11-10. Review status: criteria provided, single submitter. Criteria: Ambry Variant Classification Scheme 2023. Collection method: clinical testing. Allele origin: germline.
Comment: The c.4557C>T variant (also known as p.G1519G), located in coding exon 7 of the ALPK3 gene, results from a C to T substitution at nucleotide position 4557. This nucleotide substitution does not change the glycine at codon 1519. This nucleotide position is poorly conserved in available vertebrate species. In silico splice site analysis for this alteration is inconclusive. Since supporting evidence is limited at this time, the clinical significance of this alteration remains unclear.